The following is an entry in ClinVar:

NM_001754.5(RUNX1):c.351+10C>T

Gene: RUNX1 (RUNX family transcription factor 1; minus strand). Cytogenetic location: 21q22.12.
Variant type: single nucleotide variant.
Coding change: c.351+10C>T on transcript NM_001754.5 (MANE Select); 10 bases into the intron after coding-DNA position 351, C replaced by T.
Molecular consequence: intron variant.
Genome position (GRCh38, 1-based): chr21:34,886,833, G>A on the plus strand (C>T on the coding strand, the complement: RUNX1 is on the minus strand). VCF-style: chr21-34886833-G-A. GRCh37 (hg19) VCF-style: chr21-36259130-G-A.
Other names: c.270+10C>T (NM_001001890.3, NM_001122607.2).
Identifiers: ClinVar variation 1094393 (VCV001094393.10), dbSNP rs776306850, ClinGen allele CA10014546.

ClinVar aggregate classification (germline): Likely benign. Review status: reviewed by expert panel (3 of 4 stars). 2 submissions from 2 submitters: Likely benign (1). 1 of the submissions does not count toward it. Last evaluated 2024-06-24.

Conditions:
Hereditary thrombocytopenia and hematological cancer predisposition syndrome associated with RUNX1. Also called: PLATELET DISORDER, ASPIRIN-LIKE; RUNX1 Familial Platelet Disorder with Associated Myeloid Malignancies; Familial Platelet Disorder with Propensity to Acute Myelogenous Leukemia; Familial thrombocytopenia with propensity to acute myelogenous leukemia. Identifiers: Orphanet 71290, MedGen C1832388, MeSH C563324, MONDO:0100083, OMIM 601399.

Allele frequency attached by ClinVar (database versions not stated): ExAC 0.00001; gnomAD exomes 0.00002.
gnomAD v4.1: 6 of 1,612,586 alleles (0.00037%); highest among the groups gnomAD compares: East Asian, 0.011%; no homozygotes.

Submissions (2):

ClinGen Myeloid Malignancy Variant Curation Expert Panel
Classification: Likely benign for Hereditary thrombocytopenia and hematological cancer predisposition syndrome associated with RUNX1. Last evaluated: 2024-06-24. Review status: reviewed by expert panel. Criteria: ClinGen MyeloMalig ACMG Specifications v2. Collection method: curation. Allele origin: germline. Inheritance: Autosomal dominant inheritance.
Comment: This variant has a MAF of 0.0002513 (0.02513%, 5/19896 alleles) in the East Asian subpopulation of the gnomAD V2 cohort, which is between 0.00015 (0.015%) and 0.0015 (0.15%) (BS1). This intronic variant has a SpliceAI ∆ score ≤ 0.20 (BP4). Evolutionary conservation prediction algorithms predict the site as not being conserved (PhyloP score -0.49) (BP7). In summary, this variant meets criteria to be classified as likely benign. ACMG/AMP criteria applied, as specified by the Myeloid Malignancy Variant Curation Expert Panel for RUNX1: BS1, BP4, BP7.

Labcorp Genetics (formerly Invitae), Labcorp
Classification: Likely benign for Hereditary thrombocytopenia and hematological cancer predisposition syndrome associated with RUNX1. Last evaluated: 2022-09-29. Review status: criteria provided, single submitter. Criteria: Invitae Variant Classification Sherloc (09022015). Collection method: clinical testing. Allele origin: germline. Not counted in ClinVar's aggregate classification.